The following is an entry in ClinVar:

NM_017755.6(NSUN2):c.1165C>T (p.Arg389Ter)

Gene: NSUN2 (NOP2/Sun RNA methyltransferase 2; minus strand). Cytogenetic location: 5p15.31.
Variant type: single nucleotide variant.
Coding change: c.1165C>T on transcript NM_017755.6 (MANE Select); coding-DNA position 1165, C replaced by T.
Protein change: p.Arg389Ter; replaces arginine 389 with a stop codon.
Molecular consequence: nonsense. On other transcripts: non-coding transcript variant (1).
Genome position (GRCh38, 1-based): chr5:6,611,016, G>A on the plus strand (C>T on the coding strand, the complement: NSUN2 is on the minus strand). VCF-style: chr5-6611016-G-A. GRCh37 (hg19) VCF-style: chr5-6611129-G-A.
Other names: c.1060C>T, p.Arg354Ter (NM_001193455.2); short protein forms R354*, R389*.
Identifiers: ClinVar variation 1030591 (VCV001030591.7), dbSNP rs1377452635, ClinGen allele CA359121391.

ClinVar aggregate classification (germline): Pathogenic/Likely pathogenic. Review status: criteria provided, multiple submitters, no conflicts (2 of 4 stars). 6 submissions from 6 submitters: Pathogenic (4); Likely pathogenic (2). Last evaluated 2024-01-01.

Conditions:
Autosomal recessive non-syndromic intellectual disability. Also called: Mental retardation, autosomal recessive. Identifiers: Orphanet 88616, MedGen C5680181, MONDO:0019502.
NSUN2-related disorders.
Intellectual developmental disorder, autosomal recessive 5. Also called: Intellectual disability, autosomal recessive 5. Identifiers: Orphanet 88616, MedGen C1970199, MONDO:0012613, OMIM 611091.

Allele frequency attached by ClinVar (database versions not stated): gnomAD exomes below 0.00001.
gnomAD v4.1: 4 of 1,614,166 alleles (0.00025%); highest among the groups gnomAD compares: African/African-American, 0.0013%; no homozygotes.

Submissions (6):

Daryl Scott Lab, Baylor College of Medicine
Classification: Pathogenic for Intellectual developmental disorder, autosomal recessive 5. Last evaluated: 2024-01-01. Review status: criteria provided, single submitter. Criteria: ACMG Guidelines, 2015. Collection method: clinical testing. Allele origin: biparental. Affected: yes. Observed: 1 homozygote.
Comment: PVS1, PM2

Women's Health and Genetics/Laboratory Corporation of America, LabCorp
Classification: Pathogenic for Autosomal recessive non-syndromic intellectual disability. Last evaluated: 2023-08-22. Review status: criteria provided, single submitter. Criteria: LabCorp Variant Classification Summary - May 2015. Collection method: clinical testing. Allele origin: germline.
Comment: Variant summary: NSUN2 c.1165C>T (p.Arg389X) results in a premature termination codon, predicted to cause a truncation of the encoded protein or absence of the protein due to nonsense mediated decay, which are commonly known mechanisms for disease. The variant allele was found at a frequency of 4e-06 in 251490 control chromosomes (gnomAD). To our knowledge, no occurrence of c.1165C>T in individuals affected with Mental Retardation, Autosomal Recessive and no experimental evidence demonstrating its impact on protein function have been reported. Two ClinVar submitters have assessed the variant since 2014: one classified the variant as likely pathoegnic, and one as pathogenic. Based on the evidence outlined above, the variant was classified as pathogenic.

Labcorp Genetics (formerly Invitae), Labcorp
Classification: Pathogenic. Last evaluated: 2023-01-26. Review status: criteria provided, single submitter. Criteria: Invitae Variant Classification Sherloc (09022015). Collection method: clinical testing. Allele origin: germline.
Comment: For these reasons, this variant has been classified as Pathogenic. ClinVar contains an entry for this variant (Variation ID: 1030591). This variant has not been reported in the literature in individuals affected with NSUN2-related conditions. This variant is present in population databases (no rsID available, gnomAD 0.0009%). This sequence change creates a premature translational stop signal (p.Arg389*) in the NSUN2 gene. It is expected to result in an absent or disrupted protein product. Loss-of-function variants in NSUN2 are known to be pathogenic (PMID: 22541559, 22577224).

Fulgent Genetics
Classification: Likely pathogenic for Intellectual developmental disorder, autosomal recessive 5. Last evaluated: 2022-01-13. Review status: criteria provided, single submitter. Criteria: ACMG Guidelines, 2015. Collection method: clinical testing. Allele origin: unknown.

Blueprint Genetics
Classification: Likely pathogenic for NSUN2-related disorders. Last evaluated: 2020-11-10. Review status: criteria provided, single submitter. Criteria: ACMG Guidelines, 2015. Collection method: clinical testing. Allele origin: germline. Affected: yes. Observed: 2 variant alleles.

Baylor Genetics
Classification: Pathogenic for Intellectual developmental disorder, autosomal recessive 5. Last evaluated: 2020-04-20. Review status: criteria provided, single submitter. Criteria: ACMG Guidelines, 2015. Collection method: clinical testing. Allele origin: unknown. Affected: yes.
Comment: This variant was determined to be pathogenic according to ACMG Guidelines, 2015 [PMID:25741868].

Literature cited by the submitters: PubMed 22541559 (cited by Labcorp Genetics (formerly Invitae), Labcorp); PubMed 22577224 (cited by Labcorp Genetics (formerly Invitae), Labcorp).